The following is an entry in ClinVar:

ClinVar aggregate classification (germline): Uncertain significance (1 of 4 stars; one submission).

Conditions:
Autosomal recessive limb-girdle muscular dystrophy type 2J (LGMDR10). Also called: Limb-girdle muscular dystrophy, type 2J; MUSCULAR DYSTROPHY, LIMB-GIRDLE, AUTOSOMAL RECESSIVE 10. Identifiers: Orphanet 140922, MedGen C1837342, MONDO:0012127, OMIM 608807.
Dilated cardiomyopathy 1G (CMD1G). Identifiers: Orphanet 154, MedGen C1858763, MONDO:0011400, OMIM 604145.

Submission:

Labcorp Genetics (formerly Invitae), Labcorp
Classification: Uncertain significance for Dilated cardiomyopathy 1G; Autosomal recessive limb-girdle muscular dystrophy type 2J. Last evaluated: 2021-02-09. Review status: criteria provided, single submitter. Criteria: Invitae Variant Classification Sherloc (09022015). Collection method: clinical testing. Allele origin: germline.
Comment: This sequence change replaces asparagine with lysine at codon 34029 of the TTN protein (p.Asn34029Lys). There is a moderate physicochemical difference between asparagine and lysine. This variant is not present in population databases (ExAC no frequency). This variant has not been reported in the literature in individuals with TTN-related conditions. This variant is located in the M band of TTN (PMID: 25589632). Variants in this region may be relevant for neuromuscular disorders, but have not been definitively shown to cause cardiomyopathy (PMID: 23975875). Algorithms developed to predict the effect of missense changes on protein structure and function are unavailable for the TTN gene. In summary, the available evidence is currently insufficient to determine the role of this variant in disease. Therefore, it has been classified as a Variant of Uncertain Significance.

Literature cited by the submitters: PubMed 25589632; PubMed 23975875.

NM_001267550.2(TTN):c.102087T>A (p.Asn34029Lys)

Genes: TTN-AS1 (TTN antisense RNA 1; plus strand), TTN (titin; minus strand). Cytogenetic location: 2q31.2.
Variant type: single nucleotide variant.
Coding change: c.102087T>A on transcript NM_001267550.2 (MANE Select); coding-DNA position 102087, T replaced by A.
Protein change: p.Asn34029Lys; replaces asparagine 34029 with lysine.
Molecular consequence: missense variant.
Genome position (GRCh38, 1-based): chr2:178,534,528, A>T on the plus strand (T>A on the coding strand, the complement: TTN is on the minus strand). VCF-style: chr2-178534528-A-T. GRCh37 (hg19) VCF-style: chr2-179399255-A-T.
Other names: c.97164T>A, p.Asn32388Lys (NM_001256850.1); c.74892T>A, p.Asn24964Lys (NM_003319.4); c.94383T>A, p.Asn31461Lys (NM_133378.4); c.75267T>A, p.Asn25089Lys (NM_133432.3); c.75468T>A, p.Asn25156Lys (NM_133437.4); short protein forms N24964K, N32388K, N34029K, N25089K, N25156K, N31461K.
Identifiers: ClinVar variation 843200 (VCV000843200.8), dbSNP rs1690590871, ClinGen allele CA349418395.
Genomic context (GRCh38, chr2:178,534,528, plus strand): 5'-AAAATCCATGGCTTCAATGCTAATCTCTTTGAATGCTTCCTCATCGAAAGTATATTCAGC[A>T]TTCATGATATTCTCAATGATCTGTTGGTTAGTTTCAGCCAGGAATGGGTTGATACCACTC-3'
Protein context (NP_001254479.2, residues 34019-34039): TNQQIIENIM[Asn34029Lys]AEYTFDEEAF